The following is an entry in ClinVar:

NM_024721.5(ZFHX4):c.3813_3814del (p.Pro1273fs)

Gene: ZFHX4 (zinc finger homeobox 4; plus strand). Cytogenetic location: 8q21.13.
Variant type: Microsatellite.
Coding change: c.3813_3814del on transcript NM_024721.5 (MANE Select); coding-DNA positions 3813 to 3814, 2 bases deleted (GT; older notation c.3813_3814delGT).
Protein change: p.Pro1273fs; shifts the reading frame from proline 1273.
Molecular consequence: frameshift variant.
Genome position (GRCh38, 1-based): chr8:76,849,679-76,849,680, GT deleted; deleting any 2 consecutive bases within chr8:76,849,675-76,849,680 gives the same sequence; the c. name uses the placement nearest the transcript's 3' end. VCF-style (leftmost placement, unchanged base first): chr8-76849674-AGT-A. GRCh37 (hg19) VCF-style: chr8-77761910-AGT-A.
Other names: c.3735_3736del, p.Pro1247fs (NM_001410934.1); short protein forms P1247fs, P1273fs.
Identifiers: ClinVar variation 4845606 (VCV004845606.1).

ClinVar aggregate classification (germline): Likely pathogenic (1 of 4 stars; one submission).

Conditions:
ZFHX4-related disorder. Also called: ZFHX4-related condition.

Submission:

Greenwood Genetic Center Diagnostic Laboratories, Greenwood Genetic Center
Classification: Likely pathogenic for ZFHX4-related disorder. Last evaluated: 2025-10-28. Review status: criteria provided, single submitter. Criteria: ACMG Guidelines, 2015. Collection method: clinical testing. Allele origin: germline. Affected: yes.
Comment: PVS1, PM2, PM6